The following is an entry in ClinVar:

ClinVar aggregate classification (germline): Benign/Likely benign. Review status: criteria provided, multiple submitters, no conflicts (2 of 4 stars). 4 submissions from 4 submitters: Benign (1); Likely benign (3). Last evaluated 2026-01-14.

Conditions:
ALG11-congenital disorder of glycosylation. Also called: CONGENITAL DISORDER OF GLYCOSYLATION, TYPE Ip; ALG11-CDG. Identifiers: Orphanet 280071, MedGen C3150913, MONDO:0013349, OMIM 613661.

Allele frequency attached by ClinVar (database versions not stated): gnomAD exomes 0.00028 and 0.00084; ExAC 0.00099; gnomAD 0.00325 and 0.00348; TOPMed 0.00363; ESP Exome Variant Server 0.00369; 1000 Genomes Project 30x 0.00453; 1000 Genomes Project 0.00479.

Submissions (4):

Labcorp Genetics (formerly Invitae), Labcorp
Classification: Benign for ALG11-congenital disorder of glycosylation. Last evaluated: 2026-01-14. Review status: criteria provided, single submitter. Criteria: Invitae Variant Classification Sherloc (09022015). Collection method: clinical testing. Allele origin: germline.

Blueprint Genetics
Classification: Likely benign. Last evaluated: 2024-02-08. Review status: criteria provided, single submitter. Criteria: ACMG Guidelines, 2015. Collection method: clinical testing. Allele origin: germline.

GeneDx
Classification: Likely benign. Last evaluated: 2018-03-05. Review status: criteria provided, single submitter. Criteria: GeneDx Variant Classification (06012015). Collection method: clinical testing. Allele origin: germline. Affected: yes.
Comment: This variant is considered likely benign or benign based on one or more of the following criteria: it is a conservative change, it occurs at a poorly conserved position in the protein, it is predicted to be benign by multiple in silico algorithms, and/or has population frequency not consistent with disease.

Breakthrough Genomics
Classification: Likely benign. Review status: criteria provided, single submitter. Criteria: ACMG Guidelines, 2015. Collection method: not provided. Allele origin: germline. Inheritance: Autosomal recessive inheritance. Affected: yes.

NM_001004127.3(ALG11):c.1032T>G (p.Gly344=)

Genes: ALG11 (ALG11 alpha-1,2-mannosyltransferase; plus strand), UTP14C (UTP14C small subunit processome component; plus strand). Cytogenetic location: 13q14.3.
Variant type: single nucleotide variant.
Coding change: c.1032T>G on transcript NM_001004127.3 (MANE Select); coding-DNA position 1032, T replaced by G.
Protein change: p.Gly344=; no amino-acid change (glycine 344 retained).
Molecular consequence: synonymous variant. On other transcripts: 5 prime UTR variant (1).
Genome position (GRCh38, 1-based): chr13:52,024,762, T>G. VCF-style: chr13-52024762-T-G. GRCh37 (hg19) VCF-style: chr13-52598898-T-G.
Other names: c.-662T>G (NM_021645.6).
Identifiers: ClinVar variation 381405 (VCV000381405.14), dbSNP rs143967675, ClinGen allele CA6990007.